The following is an entry in ClinVar:

ClinVar aggregate classification (germline): Pathogenic. Review status: criteria provided, multiple submitters, no conflicts (2 of 4 stars). 3 submissions from 3 submitters: Pathogenic (2). 1 of the submissions does not count toward it. Last evaluated 2025-02-27.

Conditions:
Breast-ovarian cancer, familial, susceptibility to, 2 (BROVCA2). Also called: BRCA2 Hereditary Breast and Ovarian Cancer. Identifiers: Orphanet 145, MedGen C2675520, MONDO:0012933, OMIM 612555. Disease mechanism: loss of function.

Submissions (3):

Myriad Genetics, Inc.
Classification: Pathogenic for Breast-ovarian cancer, familial, susceptibility to, 2. Last evaluated: 2025-02-27. Review status: criteria provided, single submitter. Criteria: Myriad Autosomal Dominant, Autosomal Recessive and X-Linked Classification Criteria (2023). Collection method: clinical testing. Allele origin: unknown.
Comment: This variant is considered pathogenic. This variant occurs within a consensus splice junction and is predicted to result in abnormal mRNA splicing of either an out-of-frame exon or an in-frame exon necessary for protein stability and/or normal function. Functional studies indicate this variant impacts protein function [PMID: 32398771]. mRNA analysis has demonstrated abnormal mRNA splicing occurs [PMID: 31343793, 12759930, 32398771].

Clinical Genetics DNA and cytogenetics Diagnostics Lab, Erasmus MC, Erasmus Medical Center
Classification: Pathogenic for Breast-ovarian cancer, familial, susceptibility to, 2. Last evaluated: 2015-09-21. Review status: criteria provided, single submitter. Criteria: ACGS Guidelines, 2013. Collection method: clinical testing. Allele origin: germline. Affected: yes. Study: VKGL Data-share Consensus.

Diagnostic Laboratory, Department of Genetics, University Medical Center Groningen
Classification: Pathogenic for Breast-ovarian cancer, familial, susceptibility to, 2. Review status: no assertion criteria provided. Collection method: clinical testing. Allele origin: germline. Affected: yes. Study: VKGL Data-share Consensus. Not counted in ClinVar's aggregate classification.

Literature cited by the submitters: PubMed 31343793 (cited by Myriad Genetics, Inc.); PubMed 12759930 (cited by Myriad Genetics, Inc.); PubMed 32398771 (cited by Myriad Genetics, Inc.).

NM_000059.4(BRCA2):c.516+2T>G

Gene: BRCA2 (BRCA2 DNA repair associated; plus strand). Cytogenetic location: 13q13.1.
Variant type: single nucleotide variant.
Coding change: c.516+2T>G on transcript NM_000059.4 (MANE Select); the canonical splice donor site of the intron after coding-DNA position 516, T replaced by G.
Molecular consequence: splice donor variant.
Genome position (GRCh38, 1-based): chr13:32,326,284, T>G. VCF-style: chr13-32326284-T-G. GRCh37 (hg19) VCF-style: chr13-32900421-T-G.
Other names: c.516+2T>G (NM_001406720.1, NM_001406719.1, NM_001406721.1); c.147+2T>G (NM_001406722.1).
Identifiers: ClinVar variation 518254 (VCV000518254.5), dbSNP rs397507764, ClinGen allele CA387757755.